The following is an entry in ClinVar:

NM_002296.4(LBR):c.1289A>G (p.Tyr430Cys)

Gene: LBR (lamin B receptor; minus strand). Cytogenetic location: 1q42.12.
Variant type: single nucleotide variant.
Coding change: c.1289A>G on transcript NM_002296.4 (MANE Select); coding-DNA position 1289, A replaced by G.
Protein change: p.Tyr430Cys; replaces tyrosine 430 with cysteine.
Molecular consequence: missense variant.
Genome position (GRCh38, 1-based): chr1:225,410,316, T>C on the plus strand (A>G on the coding strand, the complement: LBR is on the minus strand). VCF-style: chr1-225410316-T-C. GRCh37 (hg19) VCF-style: chr1-225598018-T-C.
Other names: c.1289A>G, p.Tyr430Cys (NM_194442.3); short protein forms Y430C.
Identifiers: ClinVar variation 730151 (VCV000730151.16), dbSNP rs138769892, ClinGen allele CA1417189.

ClinVar aggregate classification (germline): Conflicting classifications of pathogenicity. Review status: criteria provided, conflicting classifications (1 of 4 stars). 5 submissions from 5 submitters: Uncertain significance (2); Benign (1); Likely benign (1). 1 of the submissions does not count toward it. Last evaluated 2025-12-15.

Conditions:
Greenberg dysplasia (GRBGD). Also called: CHONDRODYSTROPHY, HYDROPIC AND PRENATALLY LETHAL TYPE; HEM SKELETAL DYSPLASIA; MOTH-EATEN SKELETAL DYSPLASIA. Identifiers: Orphanet 1426, MedGen C2931048, MONDO:0008974, OMIM 215140.
LBR-related disorder. Also called: LBR-related condition; LBR-related disorders.

Allele frequency attached by ClinVar (database versions not stated): 1000 Genomes Project 30x 0.00016; 1000 Genomes Project 0.00020; TOPMed 0.00024; ESP Exome Variant Server 0.00031; gnomAD exomes 0.00053 and 0.00135; gnomAD 0.00082 and 0.00086; ExAC 0.00165.
gnomAD v4.1: 910 of 1,614,006 alleles (0.056%); highest among the groups gnomAD compares: Non-Finnish European, 0.026%; 3 homozygotes.

Submissions (5):

Labcorp Genetics (formerly Invitae), Labcorp
Classification: Benign. Last evaluated: 2025-12-15. Review status: criteria provided, single submitter. Criteria: Invitae Variant Classification Sherloc (09022015). Collection method: clinical testing. Allele origin: germline.

GeneDx
Classification: Uncertain significance. Last evaluated: 2025-06-16. Review status: criteria provided, single submitter. Criteria: GeneDx Variant Classification Process June 2021. Collection method: clinical testing. Allele origin: germline. Affected: yes.
Comment: In silico analysis supports that this missense variant has a deleterious effect on protein structure/function; Reported homozygous in fetus with isolated congenital diaphragmatic hernia (PMID: 29966037); This variant is associated with the following publications: (PMID: 35650273, 29966037)

Blueprint Genetics
Classification: Likely benign. Last evaluated: 2024-11-07. Review status: criteria provided, single submitter. Criteria: ACMG Guidelines, 2015. Collection method: clinical testing. Allele origin: germline.

Illumina Laboratory Services, Illumina
Classification: Uncertain significance for Greenberg dysplasia. Last evaluated: 2018-01-13. Review status: criteria provided, single submitter. Criteria: ICSL Variant Classification Criteria 13 December 2019. Collection method: clinical testing. Allele origin: germline.

PreventionGenetics, part of Exact Sciences
Classification: Likely benign for LBR-related condition. Last evaluated: 2024-08-04. Review status: no assertion criteria provided. Collection method: clinical testing. Allele origin: germline. Not counted in ClinVar's aggregate classification.
Comment: This variant is classified as likely benign based on ACMG/AMP sequence variant interpretation guidelines (Richards et al. 2015 PMID: 25741868, with internal and published modifications).